The following is an entry in ClinVar:

ClinVar aggregate classification (germline): Pathogenic (1 of 4 stars; one submission).

Conditions:
Generalized epilepsy with febrile seizures plus, type 7 (GEFSP7). Also called: GEFS+, TYPE 7. Identifiers: Orphanet 36387, MedGen C2751778, MONDO:0013470, OMIM 613863.
Neuropathy, hereditary sensory and autonomic, type 2A (HSAN2A). Also called: WNK1-Related HSAN2 (HSAN2A); HSAN IIA; NEUROPATHY, HEREDITARY SENSORY, TYPE IIA; NEUROPATHY, PROGRESSIVE SENSORY, OF CHILDREN; MORVAN DISEASE; NEUROPATHY, CONGENITAL SENSORY. Identifiers: Orphanet 970, MedGen C2752089, MONDO:0024309, OMIM 201300.

Submission:

Labcorp Genetics (formerly Invitae), Labcorp
Classification: Pathogenic for Neuropathy, hereditary sensory and autonomic, type 2A; Generalized epilepsy with febrile seizures plus, type 7. Last evaluated: 2020-01-16. Review status: criteria provided, single submitter. Criteria: Invitae Variant Classification Sherloc (09022015). Collection method: clinical testing. Allele origin: germline.
Comment: This sequence change creates a premature translational stop signal (p.Lys879*) in the SCN9A gene. It is expected to result in an absent or disrupted protein product. For these reasons, this variant has been classified as Pathogenic. Loss-of-function variants in SCN9A are known to be pathogenic (PMID: 17470132, 19304393). This variant has not been reported in the literature in individuals with SCN9A-related conditions. This variant is not present in population databases (ExAC no frequency).

Literature cited by the submitters: PubMed 17470132; PubMed 19304393.

NM_001365536.1(SCN9A):c.2667dup (p.Lys890Ter)

Genes: SCN9A (sodium voltage-gated channel alpha subunit 9; minus strand), SCN1A-AS1 (SCN1A and SCN9A antisense RNA 1; plus strand). Cytogenetic location: 2q24.3.
Variant type: Duplication.
Coding change: c.2667dup on transcript NM_001365536.1 (MANE Select); coding-DNA position 2667, one base duplicated (T; older notation c.2667dupT).
Protein change: p.Lys890Ter; replaces lysine 890 with a stop codon.
Molecular consequence: nonsense. On other transcripts: non-coding transcript variant (1), frameshift variant (1).
Genome position (GRCh38, 1-based): chr2:166,277,190, A duplicated on the plus strand (T on the coding strand, the reverse complement: SCN9A is on the minus strand). VCF-style (leftmost placement, unchanged base first): chr2-166277189-T-TA. GRCh37 (hg19) VCF-style: chr2-167133699-T-TA.
Other names: c.2634dup, p.Lys879Terfs (NM_002977.4); short protein forms K879*, K890*.
Identifiers: ClinVar variation 1075796 (VCV001075796.7), dbSNP rs2106469123, ClinGen allele CA2499215221.